The following is an entry in ClinVar:

NM_020937.4(FANCM):c.2694A>C (p.Lys898Asn)

Gene: FANCM (FA complementation group M; plus strand). Cytogenetic location: 14q21.2.
Variant type: single nucleotide variant.
Coding change: c.2694A>C on transcript NM_020937.4 (MANE Select); coding-DNA position 2694, A replaced by C.
Protein change: p.Lys898Asn; replaces lysine 898 with asparagine.
Molecular consequence: missense variant.
Genome position (GRCh38, 1-based): chr14:45,175,448, A>C. VCF-style: chr14-45175448-A-C. GRCh37 (hg19) VCF-style: chr14-45644651-A-C.
Other names: c.2616A>C, p.Lys872Asn (NM_001308133.2); short protein forms K872N, K898N.
Identifiers: ClinVar variation 3848728 (VCV003848728.1).

ClinVar aggregate classification (germline): Uncertain significance (1 of 4 stars; one submission).

Conditions:
Inborn genetic diseases. Identifiers: MedGen C0950123, MeSH D030342.

Submission:

Ambry Genetics
Classification: Uncertain significance for Inborn genetic diseases. Last evaluated: 2025-02-13. Review status: criteria provided, single submitter. Criteria: Ambry Variant Classification Scheme 2023. Collection method: clinical testing. Allele origin: germline.
Comment: The p.K898N variant (also known as c.2694A>C), located in coding exon 14 of the FANCM gene, results from an A to C substitution at nucleotide position 2694. The lysine at codon 898 is replaced by asparagine, an amino acid with similar properties. This amino acid position is conserved. In addition, this alteration is predicted to be tolerated by in silico analysis. Based on the available evidence, the clinical significance of this variant remains unclear.